The following is an entry in ClinVar:

ClinVar aggregate classification (germline): Conflicting classifications of pathogenicity. Review status: criteria provided, conflicting classifications (1 of 4 stars). 4 submissions from 4 submitters: Uncertain significance (3); Likely benign (1). Last evaluated 2025-04-14.

Conditions:
Hereditary cancer-predisposing syndrome. Also called: Neoplastic Syndromes, Hereditary; Tumor predisposition; Hereditary neoplastic syndrome; Hereditary Cancer Syndrome. Identifiers: Orphanet 140162, MedGen C0027672, MeSH D009386, MONDO:0015356.
Hereditary breast ovarian cancer syndrome. Also called: Hereditary breast and ovarian cancer syndrome; Hereditary breast and ovarian cancer; Hereditary breast and ovarian cancer syndrome (HBOC); Breast and ovarian cancer; Hereditary breast and/or ovarian cancer syndrome; BRCA1- and BRCA2-Associated Hereditary Breast and Ovarian Cancer. Identifiers: Orphanet 145, MedGen C0677776, MeSH D061325, MONDO:0003582. Disease mechanism: loss of function.

Submissions (4):

Ambry Genetics
Classification: Uncertain significance for Hereditary cancer-predisposing syndrome. Last evaluated: 2025-04-14. Review status: criteria provided, single submitter. Criteria: Ambry Variant Classification Scheme 2023. Collection method: clinical testing. Allele origin: germline.
Comment: The p.V1681G variant (also known as c.5042T>G), located in coding exon 10 of the BRCA2 gene, results from a T to G substitution at nucleotide position 5042. The valine at codon 1681 is replaced by glycine, an amino acid with dissimilar properties. This amino acid position is well conserved in available vertebrate species. In addition, the in silico prediction for this alteration is inconclusive. Since supporting evidence is limited at this time, the clinical significance of this alteration remains unclear.

Quest Diagnostics Nichols Institute San Juan Capistrano
Classification: Uncertain significance. Last evaluated: 2025-01-30. Review status: criteria provided, single submitter. Criteria: Quest Diagnostics criteria. Collection method: clinical testing. Allele origin: unknown.
Comment: The BRCA2 c.5042T>G (p.Val1681Gly) variant has not been reported in individuals with BRCA2-related conditions in the published literature. However, it has been described to be located in a region of the BRCA2 gene that is tolerant to missense sequence changes (PMID: 31911673 (2020)). It also has not been reported in large, multi-ethnic general populations (Genome Aggregation Database). Analysis of this variant using bioinformatics tools for the prediction of the effect of amino acid changes on protein structure and function yielded predictions that this variant is benign. Based on the available information, we are unable to determine the clinical significance of this variant.

Labcorp Genetics (formerly Invitae), Labcorp
Classification: Uncertain significance for Hereditary breast ovarian cancer syndrome. Last evaluated: 2023-12-13. Review status: criteria provided, single submitter. Criteria: Invitae Variant Classification Sherloc (09022015). Collection method: clinical testing. Allele origin: germline.
Comment: This sequence change replaces valine, which is neutral and non-polar, with glycine, which is neutral and non-polar, at codon 1681 of the BRCA2 protein (p.Val1681Gly). This variant is not present in population databases (gnomAD no frequency). This variant has not been reported in the literature in individuals affected with BRCA2-related conditions. ClinVar contains an entry for this variant (Variation ID: 825394). Advanced modeling of protein sequence and biophysical properties (such as structural, functional, and spatial information, amino acid conservation, physicochemical variation, residue mobility, and thermodynamic stability) performed at Invitae indicates that this missense variant is not expected to disrupt BRCA2 protein function with a negative predictive value of 95%. In summary, the available evidence is currently insufficient to determine the role of this variant in disease. Therefore, it has been classified as a Variant of Uncertain Significance.

University of Washington Department of Laboratory Medicine, University of Washington
Classification: Likely benign for Hereditary cancer-predisposing syndrome. Last evaluated: 2023-03-23. Review status: criteria provided, single submitter. Criteria: Dines et al. (Genet Med. 2020). Collection method: curation. Allele origin: germline.
Comment: Missense variant in a coldspot region where missense variants are very unlikely to be pathogenic (PMID:31911673).

BRCA2 exon 11 coldspot. Reclassification based on statistical prior probability.

Literature cited by the submitters: PubMed 31911673 (cited by Quest Diagnostics Nichols Institute San Juan Capistrano).

NM_000059.4(BRCA2):c.5042T>G (p.Val1681Gly)

Gene: BRCA2 (BRCA2 DNA repair associated; plus strand). Cytogenetic location: 13q13.1.
Variant type: single nucleotide variant.
Coding change: c.5042T>G on transcript NM_000059.4 (MANE Select); coding-DNA position 5042, T replaced by G.
Protein change: p.Val1681Gly; replaces valine 1681 with glycine.
Molecular consequence: missense variant.
Genome position (GRCh38, 1-based): chr13:32,339,397, T>G. VCF-style: chr13-32339397-T-G. GRCh37 (hg19) VCF-style: chr13-32913534-T-G.
Other names: short protein forms V1681G.
Identifiers: ClinVar variation 825394 (VCV000825394.12), dbSNP rs1593904227, ClinGen allele CA387784005.
Genomic context (GRCh38, chr13:32,339,397, plus strand): 5'-ATTCAGTCATTGAAAATTCAGCCTTAGCTTTTTACACAAGTTGTAGTAGAAAAACTTCTG[T>G]GAGTCAGACTTCATTACTTGAAGCAAAAAAATGGCTTAGAGAAGGAATATTTGATGGTCA-3'
Protein context (NP_000050.3, residues 1671-1691): FYTSCSRKTS[Val1681Gly]SQTSLLEAKK